The following is an entry in ClinVar:

NM_206933.4(USH2A):c.12384C>A (p.Tyr4128Ter)

Gene: USH2A (usherin; minus strand). Cytogenetic location: 1q41.
Variant type: single nucleotide variant.
Coding change: c.12384C>A on transcript NM_206933.4 (MANE Select); coding-DNA position 12384, C replaced by A.
Protein change: p.Tyr4128Ter; replaces tyrosine 4128 with a stop codon.
Molecular consequence: nonsense.
Genome position (GRCh38, 1-based): chr1:215,675,527, G>T on the plus strand (C>A on the coding strand, the complement: USH2A is on the minus strand). VCF-style: chr1-215675527-G-T. GRCh37 (hg19) VCF-style: chr1-215848869-G-T.
Other names: short protein forms Y4128*.
Identifiers: ClinVar variation 3601030 (VCV003601030.1).

ClinVar aggregate classification (germline): Pathogenic (1 of 4 stars; one submission).

Conditions:
Usher syndrome type 2A. Also called: RETINAL DISEASE IN USHER SYNDROME TYPE IIA, MODIFIER OF; USHER SYNDROME, TYPE IIA. Identifiers: Orphanet 231178, Orphanet 886, MedGen C1848634, MONDO:0010169, OMIM 276901.

Submission:

Institute of Rare Diseases, West China Hospital, Sichuan University
Classification: Pathogenic for Usher syndrome type 2A. Last evaluated: 2025-01-09. Review status: criteria provided, single submitter. Criteria: ClinGen HL ACMG Specifications v1. Collection method: research. Allele origin: germline. Affected: yes.
Comment: PVS1;PM3;PM2_Supporting